The following is an entry in ClinVar:

NM_000288.4(PEX7):c.35_43dup (p.Thr14_Pro15insLeuArgThr)

Gene: PEX7 (peroxisomal biogenesis factor 7; plus strand). Cytogenetic location: 6q23.3.
Variant type: Duplication.
Coding change: c.35_43dup on transcript NM_000288.4 (MANE Select); coding-DNA positions 35 to 43, 9 bases duplicated (TGCGGACGC; older notation c.35_43dupTGCGGACGC).
Protein change: p.Thr14_Pro15insLeuArgThr.
Molecular consequence: inframe insertion.
Genome position (GRCh38, 1-based): chr6:136,822,700-136,822,708, TGCGGACGC duplicated; duplicating any 9 consecutive bases within chr6:136,822,698-136,822,708 gives the same sequence; the c. name uses the placement nearest the transcript's 3' end. VCF-style (leftmost placement, unchanged base first): chr6-136822697-T-TGCTGCGGAC. GRCh37 (hg19) VCF-style: chr6-137143835-T-TGCTGCGGAC.
Identifiers: ClinVar variation 2419757 (VCV002419757.5), dbSNP rs1348471346, ClinGen allele CA819500041.

ClinVar aggregate classification (germline): Uncertain significance (1 of 4 stars; one submission).

Conditions:
Peroxisome biogenesis disorder 9B. Also called: PEROXISOME BIOGENESIS DISORDER, PEX7-RELATED, ATYPICAL; PEX7-Related Refsum Disease; Refsum disease, adult, 2. Identifiers: Orphanet 773, MedGen C2749346, MONDO:0013945, OMIM 614879.

Submission:

Labcorp Genetics (formerly Invitae), Labcorp
Classification: Uncertain significance for Peroxisome biogenesis disorder 9B. Last evaluated: 2022-05-27. Review status: criteria provided, single submitter. Criteria: Invitae Variant Classification Sherloc (09022015). Collection method: clinical testing. Allele origin: germline.
Comment: In summary, the available evidence is currently insufficient to determine the role of this variant in disease. Therefore, it has been classified as a Variant of Uncertain Significance. This variant has not been reported in the literature in individuals affected with PEX7-related conditions. This variant is not present in population databases (gnomAD no frequency). This variant, c.35_43dup, results in the insertion of 3 amino acid(s) of the PEX7 protein (p.Leu12_Thr14dup), but otherwise preserves the integrity of the reading frame.